The following is an entry in ClinVar:

ClinVar aggregate classification (germline): Uncertain significance (1 of 4 stars; one submission).

gnomAD v4.1: 4 of 1,610,710 alleles (0.00025%); highest among the groups gnomAD compares: East Asian, 0.0067%; no homozygotes.

Submission:

Labcorp Genetics (formerly Invitae), Labcorp
Classification: Uncertain significance. Last evaluated: 2025-06-06. Review status: criteria provided, single submitter. Criteria: Invitae Variant Classification Sherloc (09022015). Collection method: clinical testing. Allele origin: germline.
Comment: This sequence change replaces threonine, which is neutral and polar, with proline, which is neutral and non-polar, at codon 692 of the ACAN protein (p.Thr692Pro). This variant is present in population databases (rs773102587, gnomAD 0.01%). This variant has not been reported in the literature in individuals affected with ACAN-related conditions. Invitae Evidence Modeling of protein sequence and biophysical properties (such as structural, functional, and spatial information, amino acid conservation, physicochemical variation, residue mobility, and thermodynamic stability) indicates that this missense variant is not expected to disrupt ACAN protein function with a negative predictive value of 80%. In summary, the available evidence is currently insufficient to determine the role of this variant in disease. Therefore, it has been classified as a Variant of Uncertain Significance.

NM_001369268.1(ACAN):c.2074A>C (p.Thr692Pro)

Gene: ACAN (aggrecan; plus strand). Cytogenetic location: 15q26.1.
Variant type: single nucleotide variant.
Coding change: c.2074A>C on transcript NM_001369268.1 (MANE Select); coding-DNA position 2074, A replaced by C.
Protein change: p.Thr692Pro; replaces threonine 692 with proline.
Molecular consequence: missense variant.
Genome position (GRCh38, 1-based): chr15:88,851,841, A>C. VCF-style: chr15-88851841-A-C. GRCh37 (hg19) VCF-style: chr15-89395072-A-C.
Other names: c.2074A>C, p.Thr692Pro (NM_001135.4, NM_001411096.1, NM_001411097.1 and 1 more transcripts); short protein forms T692P.
Identifiers: ClinVar variation 4704033 (VCV004704033.1).
Genomic context (GRCh38, chr15:88,851,841, plus strand): 5'-ACATCTCCTTTAGGCATTTCAGCGGTTCCTTCTCCAGGAGAAGAAGAGGGTGGCACACCC[A>C]CATCACCCTCTGGTGTGGAGGAGTGGATCGTGACCCAAGTGGTTCCTGGTGTGGCTGCTG-3'
Protein context (NP_001356197.1, residues 682-702): SPGEEEGGTP[Thr692Pro]SPSGVEEWIV